The following is an entry in ClinVar:

NM_020964.3(EPG5):c.3318G>T (p.Lys1106Asn)

Gene: EPG5 (ectopic P-granules 5 autophagy tethering factor; minus strand). Cytogenetic location: 18q21.1.
Variant type: single nucleotide variant.
Coding change: c.3318G>T on transcript NM_020964.3 (MANE Select); coding-DNA position 3318, G replaced by T.
Protein change: p.Lys1106Asn; replaces lysine 1106 with asparagine.
Molecular consequence: missense variant.
Genome position (GRCh38, 1-based): chr18:45,916,504, C>A on the plus strand (G>T on the coding strand, the complement: EPG5 is on the minus strand). VCF-style: chr18-45916504-C-A. GRCh37 (hg19) VCF-style: chr18-43496469-C-A.
Other names: c.3318G>T, p.Lys1106Asn (NM_001410858.1, NM_001410859.1); short protein forms K1106N.
Identifiers: ClinVar variation 2015943 (VCV002015943.4), dbSNP rs2511826127, ClinGen allele CA402343071.

ClinVar aggregate classification (germline): Uncertain significance (1 of 4 stars; one submission).

Conditions:
Vici syndrome (VICIS). Identifiers: Orphanet 1493, MedGen C1855772, MONDO:0009452, OMIM 242840.

Submission:

Labcorp Genetics (formerly Invitae), Labcorp
Classification: Uncertain significance for Vici syndrome. Last evaluated: 2022-07-11. Review status: criteria provided, single submitter. Criteria: Invitae Variant Classification Sherloc (09022015). Collection method: clinical testing. Allele origin: germline.
Comment: In summary, the available evidence is currently insufficient to determine the role of this variant in disease. Therefore, it has been classified as a Variant of Uncertain Significance. Algorithms developed to predict the effect of missense changes on protein structure and function are either unavailable or do not agree on the potential impact of this missense change (SIFT: "Deleterious"; PolyPhen-2: "Benign"; Align-GVGD: "Class C0"). This variant has not been reported in the literature in individuals affected with EPG5-related conditions. This variant is not present in population databases (gnomAD no frequency). This sequence change replaces lysine, which is basic and polar, with asparagine, which is neutral and polar, at codon 1106 of the EPG5 protein (p.Lys1106Asn).